The following is an entry in ClinVar:

ClinVar aggregate classification (germline): Uncertain significance. Review status: criteria provided, multiple submitters, no conflicts (2 of 4 stars). 2 submissions from 2 submitters: Uncertain significance (2). Last evaluated 2025-02-12.

gnomAD v4.1: 103 of 1,608,156 alleles (0.0064%); highest among the groups gnomAD compares: Non-Finnish European, 0.0086%; no homozygotes.

Submissions (2):

Labcorp Genetics (formerly Invitae), Labcorp
Classification: Uncertain significance. Last evaluated: 2025-02-12. Review status: criteria provided, single submitter. Criteria: Invitae Variant Classification Sherloc (09022015). Collection method: clinical testing. Allele origin: germline.
Comment: This sequence change replaces glutamic acid, which is acidic and polar, with lysine, which is basic and polar, at codon 445 of the ATP13A3 protein (p.Glu445Lys). This variant is present in population databases (rs372992123, gnomAD 0.005%). This variant has not been reported in the literature in individuals affected with ATP13A3-related conditions. Invitae Evidence Modeling of protein sequence and biophysical properties (such as structural, functional, and spatial information, amino acid conservation, physicochemical variation, residue mobility, and thermodynamic stability) indicates that this missense variant is not expected to disrupt ATP13A3 protein function with a negative predictive value of 80%. In summary, the available evidence is currently insufficient to determine the role of this variant in disease. Therefore, it has been classified as a Variant of Uncertain Significance.

Ambry Genetics
Classification: Uncertain significance. Last evaluated: 2024-12-28. Review status: criteria provided, single submitter. Criteria: Ambry Variant Classification Scheme 2023. Collection method: clinical testing. Allele origin: germline.

NM_001367549.1(ATP13A3):c.1333G>A (p.Glu445Lys)

Genes: ATP13A3 (ATPase 13A3; minus strand), LOC126806918 (CDK7 strongly-dependent group 2 enhancer GRCh37_chr3:194167532-194168731; plus strand). Cytogenetic location: 3q29.
Variant type: single nucleotide variant.
Coding change: c.1333G>A on transcript NM_001367549.1 (MANE Select); coding-DNA position 1333, G replaced by A.
Protein change: p.Glu445Lys; replaces glutamic acid 445 with lysine.
Molecular consequence: missense variant. On other transcripts: non-coding transcript variant (2).
Genome position (GRCh38, 1-based): chr3:194,447,091, C>T on the plus strand (G>A on the coding strand, the complement: ATP13A3 is on the minus strand). VCF-style: chr3-194447091-C-T. GRCh37 (hg19) VCF-style: chr3-194167820-C-T.
Other names: c.1252G>A, p.Glu418Lys (NM_001374836.1); c.1333G>A, p.Glu445Lys (NM_024524.4); short protein forms E418K, E445K.
Identifiers: ClinVar variation 3804889 (VCV003804889.2).